The following is an entry in ClinVar:

ClinVar aggregate classification (germline): Uncertain significance (1 of 4 stars; one submission).

Allele frequency attached by ClinVar (database versions not stated): gnomAD exomes 0.00008; ExAC 0.00013; 1000 Genomes Project 30x 0.00016; 1000 Genomes Project 0.00020.
gnomAD v4.1: 46 of 1,612,212 alleles (0.0029%); highest among the groups gnomAD compares: South Asian, 0.046%; 1 homozygote.

Submission:

Labcorp Genetics (formerly Invitae), Labcorp
Classification: Uncertain significance. Last evaluated: 2024-01-02. Review status: criteria provided, single submitter. Criteria: Invitae Variant Classification Sherloc (09022015). Collection method: clinical testing. Allele origin: germline.
Comment: This sequence change replaces valine, which is neutral and non-polar, with isoleucine, which is neutral and non-polar, at codon 2742 of the ASPM protein (p.Val2742Ile). This variant is present in population databases (rs562043376, gnomAD 0.07%). This variant has not been reported in the literature in individuals affected with ASPM-related conditions. ClinVar contains an entry for this variant (Variation ID: 1424418). Algorithms developed to predict the effect of missense changes on protein structure and function output the following: SIFT: "Not Available"; PolyPhen-2: "Benign"; Align-GVGD: "Not Available". The isoleucine amino acid residue is found in multiple mammalian species, which suggests that this missense change does not adversely affect protein function. In summary, the available evidence is currently insufficient to determine the role of this variant in disease. Therefore, it has been classified as a Variant of Uncertain Significance.

NM_018136.5(ASPM):c.8224G>A (p.Val2742Ile)

Gene: ASPM (assembly factor for spindle microtubules; minus strand). Cytogenetic location: 1q31.3.
Variant type: single nucleotide variant.
Coding change: c.8224G>A on transcript NM_018136.5 (MANE Select); coding-DNA position 8224, G replaced by A.
Protein change: p.Val2742Ile; replaces valine 2742 with isoleucine.
Molecular consequence: missense variant. On other transcripts: intron variant (1).
Genome position (GRCh38, 1-based): chr1:197,101,027, C>T on the plus strand (G>A on the coding strand, the complement: ASPM is on the minus strand). VCF-style: chr1-197101027-C-T. GRCh37 (hg19) VCF-style: chr1-197070157-C-T.
Other names: c.4066-4863G>A (NM_001206846.2); short protein forms V2742I.
Identifiers: ClinVar variation 1424418 (VCV001424418.8), dbSNP rs562043376, ClinGen allele CA1309261.
Genomic context (GRCh38, chr1:197,101,027, plus strand): 5'-ATACATTTTTCAATTTTTGTCTAACTTTCATGCCTCTAAAAGCAGCCTGAATAGTTCGTA[C>T]AGATTTCTGAACTGCTAAAAAGTTTTTTCTTTCTGTTTTTACTCTAACATACAACCTATA-3'
Protein context (NP_060606.3, residues 2732-2752): RKNFLAVQKS[Val2742Ile]RTIQAAFRGM